The following is an entry in ClinVar:

NM_000135.4(FANCA):c.416T>C (p.Val139Ala)

Gene: FANCA (FA complementation group A; minus strand). Cytogenetic location: 16q24.3.
Variant type: single nucleotide variant.
Coding change: c.416T>C on transcript NM_000135.4 (MANE Select); coding-DNA position 416, T replaced by C.
Protein change: p.Val139Ala; replaces valine 139 with alanine.
Molecular consequence: missense variant.
Genome position (GRCh38, 1-based): chr16:89,810,939, A>G on the plus strand (T>C on the coding strand, the complement: FANCA is on the minus strand). VCF-style: chr16-89810939-A-G. GRCh37 (hg19) VCF-style: chr16-89877347-A-G.
Other names: c.416T>C, p.Val139Ala (NM_001018112.3, NM_001286167.3, NM_001351830.2); short protein forms V139A.
Identifiers: ClinVar variation 4532879 (VCV004532879.2).

ClinVar aggregate classification (germline): Uncertain significance. Review status: criteria provided, multiple submitters, no conflicts (2 of 4 stars). 2 submissions from 2 submitters: Uncertain significance (2). Last evaluated 2025-09-19.

Submissions (2):

Quest Diagnostics Nichols Institute San Juan Capistrano
Classification: Uncertain significance. Last evaluated: 2025-09-19. Review status: criteria provided, single submitter. Criteria: Quest Diagnostics criteria. Collection method: clinical testing. Allele origin: unknown.
Comment: The FANCA c.416T>C (p.Val139Ala) variant has not been reported in individuals with FANCA-related conditions in the published literature. This variant also has not been reported in large, multi-ethnic general populations (Genome Aggregation Database). Analysis of this variant using bioinformatics tools for the prediction of the effect of amino acid changes on protein structure and function yielded predictions that this variant is benign. Based on the available information, we are unable to determine the clinical significance of this variant.

Blueprint Genetics
Classification: Uncertain significance. Last evaluated: 2017-10-16. Review status: criteria provided, single submitter. Criteria: ACMG Guidelines, 2015. Collection method: clinical testing. Allele origin: germline.